The following is an entry in ClinVar:

ClinVar aggregate classification (germline): Uncertain significance (1 of 4 stars; one submission).

Conditions:
Hypertrophic cardiomyopathy 14. Identifiers: MedGen C2750467, MONDO:0013197, OMIM 613251.

Submission:

Labcorp Genetics (formerly Invitae), Labcorp
Classification: Uncertain significance for Hypertrophic cardiomyopathy 14. Last evaluated: 2025-06-20. Review status: criteria provided, single submitter. Criteria: Invitae Variant Classification Sherloc (09022015). Collection method: clinical testing. Allele origin: germline.
Comment: This sequence change replaces arginine, which is basic and polar, with serine, which is neutral and polar, at codon 782 of the MYH6 protein (p.Arg782Ser). This variant is not present in population databases (gnomAD no frequency). This missense change has been observed in individual(s) with hypertrophic cardiomyopathy (PMID: 33297573). Invitae Evidence Modeling of protein sequence and biophysical properties (such as structural, functional, and spatial information, amino acid conservation, physicochemical variation, residue mobility, and thermodynamic stability) indicates that this missense variant is expected to disrupt MYH6 protein function with a positive predictive value of 80%. In summary, the available evidence is currently insufficient to determine the role of this variant in disease. Therefore, it has been classified as a Variant of Uncertain Significance.

Literature cited by the submitters: PubMed 33297573.

NM_002471.4(MYH6):c.2346G>T (p.Arg782Ser)

Gene: MYH6 (myosin heavy chain 6; minus strand). Cytogenetic location: 14q11.2.
Variant type: single nucleotide variant.
Coding change: c.2346G>T on transcript NM_002471.4 (MANE Select); coding-DNA position 2346, G replaced by T.
Protein change: p.Arg782Ser; replaces arginine 782 with serine.
Molecular consequence: missense variant.
Genome position (GRCh38, 1-based): chr14:23,396,367, C>A on the plus strand (G>T on the coding strand, the complement: MYH6 is on the minus strand). VCF-style: chr14-23396367-C-A. GRCh37 (hg19) VCF-style: chr14-23865576-C-A.
Other names: short protein forms R782S.
Identifiers: ClinVar variation 4763862 (VCV004763862.1).